The following is an entry in ClinVar:

NM_016953.4(PDE11A):c.1655T>C (p.Ile552Thr)

Gene: PDE11A (phosphodiesterase 11A; minus strand). Cytogenetic location: 2q31.2.
Variant type: single nucleotide variant.
Coding change: c.1655T>C on transcript NM_016953.4 (MANE Select); coding-DNA position 1655, T replaced by C.
Protein change: p.Ile552Thr; replaces isoleucine 552 with threonine.
Molecular consequence: missense variant.
Genome position (GRCh38, 1-based): chr2:177,816,911, A>G on the plus strand (T>C on the coding strand, the complement: PDE11A is on the minus strand). VCF-style: chr2-177816911-A-G. GRCh37 (hg19) VCF-style: chr2-178681638-A-G.
Other names: c.323T>C, p.Ile108Thr (NM_001077196.2); c.905T>C, p.Ile302Thr (NM_001077197.2); c.581T>C, p.Ile194Thr (NM_001077358.2); short protein forms I194T, I552T, I108T, I302T.
Identifiers: ClinVar variation 725066 (VCV000725066.10), dbSNP rs138427178, ClinGen allele CA1981856.

ClinVar aggregate classification (germline): Conflicting classifications of pathogenicity. Review status: criteria provided, conflicting classifications (1 of 4 stars). 4 submissions from 4 submitters: Uncertain significance (1); Likely benign (2). 1 of the submissions does not count toward it. Last evaluated 2024-11-19.

Conditions:
PDE11A-related disorder. Also called: PDE11A-related condition.
Pigmented nodular adrenocortical disease, primary, 2 (PPNAD2). Also called: PIGMENTED MICRONODULAR ADRENOCORTICAL DISEASE, PRIMARY, 2; CUSHING SYNDROME, ADRENAL, DUE TO PPNAD2. Identifiers: Orphanet 189439, MedGen C1864851, MONDO:0012505, OMIM 610475.

Allele frequency attached by ClinVar (database versions not stated): 1000 Genomes Project 30x 0.00062; 1000 Genomes Project 0.00080; gnomAD 0.00086 and 0.00094; TOPMed 0.00096; gnomAD exomes 0.00118 and 0.00155; ExAC 0.00119.
gnomAD v4.1: 2,381 of 1,605,642 alleles (0.15%); highest among the groups gnomAD compares: South Asian, 0.25%; 11 homozygotes.

Submissions (4):

Blueprint Genetics
Classification: Likely benign. Last evaluated: 2024-11-19. Review status: criteria provided, single submitter. Criteria: ACMG Guidelines, 2015. Collection method: clinical testing. Allele origin: germline.

Labcorp Genetics (formerly Invitae), Labcorp
Classification: Likely benign. Last evaluated: 2019-12-31. Review status: criteria provided, single submitter. Criteria: Invitae Variant Classification Sherloc (09022015). Collection method: clinical testing. Allele origin: germline.

Centre for Mendelian Genomics, University Medical Centre Ljubljana
Classification: Uncertain significance for Pigmented nodular adrenocortical disease, primary, 2. Last evaluated: 2019-04-05. Review status: criteria provided, single submitter. Criteria: ACMG Guidelines, 2015. Collection method: clinical testing. Allele origin: unknown. Affected: yes.
Comment: This variant was classified as: Uncertain significance. The available evidence on this variant's pathogenicity is insufficient or conflicting. The following ACMG criteria were applied in classifying this variant: PVS1.

PreventionGenetics, part of Exact Sciences
Classification: Likely benign for PDE11A-related condition. Last evaluated: 2019-05-06. Review status: no assertion criteria provided. Collection method: clinical testing. Allele origin: germline. Not counted in ClinVar's aggregate classification.
Comment: This variant is classified as likely benign based on ACMG/AMP sequence variant interpretation guidelines (Richards et al. 2015 PMID: 25741868, with internal and published modifications).